The following is an entry in ClinVar:

NM_014324.6(AMACR):c.342_362del (p.Ser115_Gly121del)

Genes: AMACR (alpha-methylacyl-CoA racemase; minus strand), C1QTNF3-AMACR (C1QTNF3-AMACR readthrough (NMD candidate); minus strand). Cytogenetic location: 5p13.2.
Variant type: Deletion.
Coding change: c.342_362del on transcript NM_014324.6 (MANE Select); coding-DNA positions 342 to 362, 21 bases deleted (AAGCTTCTGCCGGTTAGCTGG).
Protein change: p.Ser115_Gly121del.
Molecular consequence: inframe deletion. On other transcripts: non-coding transcript variant (1).
Genome position (GRCh38, 1-based): chr5:34,005,785-34,005,805, CCAGCTAACCGGCAGAAGCTT deleted on the plus strand (AAGCTTCTGCCGGTTAGCTGG on the coding strand, the reverse complement: AMACR is on the minus strand); deleting any 21 consecutive bases within chr5:34,005,785-34,005,807 gives the same sequence; the c. name uses the placement nearest the transcript's 3' end. VCF-style (leftmost placement, unchanged base first): chr5-34005784-GCCAGCTAACCGGCAGAAGCTT-G. GRCh37 (hg19) VCF-style: chr5-34005889-GCCAGCTAACCGGCAGAAGCTT-G.
Other names: c.342_362del, p.Ser115_Gly121del (NM_001167595.2, NM_203382.3).
Identifiers: ClinVar variation 1980053 (VCV001980053.2), dbSNP rs1485918702, ClinGen allele CA558971099.

ClinVar aggregate classification (germline): Uncertain significance (1 of 4 stars; one submission).

Conditions:
Alpha-methylacyl-CoA racemase deficiency (AMACRD). Also called: AMACR deficiency. Identifiers: Orphanet 79095, MedGen C3280428, MONDO:0013681, OMIM 614307. Disease mechanism: loss of function.

Submission:

Labcorp Genetics (formerly Invitae), Labcorp
Classification: Uncertain significance for Alpha-methylacyl-CoA racemase deficiency. Last evaluated: 2024-12-09. Review status: criteria provided, single submitter. Criteria: Invitae Variant Classification Sherloc (09022015). Collection method: clinical testing. Allele origin: germline.
Comment: This variant, c.342_362del, results in the deletion of 7 amino acid(s) of the AMACR protein (p.Ser115_Gly121del), but otherwise preserves the integrity of the reading frame. This variant is present in population databases (no rsID available, gnomAD 0.009%). This variant has not been reported in the literature in individuals affected with AMACR-related conditions. ClinVar contains an entry for this variant (Variation ID: 1980053). Experimental studies and prediction algorithms are not available or were not evaluated, and the functional significance of this variant is currently unknown. In summary, the available evidence is currently insufficient to determine the role of this variant in disease. Therefore, it has been classified as a Variant of Uncertain Significance.